The following is an entry in ClinVar:

ClinVar aggregate classification (germline): Uncertain significance (1 of 4 stars; one submission).

Conditions:
Noonan syndrome 9 (NS9). Identifiers: Orphanet 648, MedGen C4225282, MONDO:0014691, OMIM 616559.

Submission:

Labcorp Genetics (formerly Invitae), Labcorp
Classification: Uncertain significance for Noonan syndrome 9. Last evaluated: 2022-11-01. Review status: criteria provided, single submitter. Criteria: Invitae Variant Classification Sherloc (09022015). Collection method: clinical testing. Allele origin: germline.
Comment: In summary, the available evidence is currently insufficient to determine the role of this variant in disease. Therefore, it has been classified as a Variant of Uncertain Significance. Advanced modeling of protein sequence and biophysical properties (such as structural, functional, and spatial information, amino acid conservation, physicochemical variation, residue mobility, and thermodynamic stability) performed at Invitae indicates that this missense variant is not expected to disrupt SOS2 protein function. This variant has not been reported in the literature in individuals affected with SOS2-related conditions. This variant is not present in population databases (gnomAD no frequency). This sequence change replaces glutamine, which is neutral and polar, with glutamic acid, which is acidic and polar, at codon 75 of the SOS2 protein (p.Gln75Glu).

NM_006939.4(SOS2):c.223C>G (p.Gln75Glu)

Gene: SOS2 (SOS Ras/Rho guanine nucleotide exchange factor 2; minus strand). Cytogenetic location: 14q21.3.
Variant type: single nucleotide variant.
Coding change: c.223C>G on transcript NM_006939.4 (MANE Select); coding-DNA position 223, C replaced by G.
Protein change: p.Gln75Glu; replaces glutamine 75 with glutamic acid.
Molecular consequence: missense variant.
Genome position (GRCh38, 1-based): chr14:50,201,075, G>C on the plus strand (C>G on the coding strand, the complement: SOS2 is on the minus strand). VCF-style: chr14-50201075-G-C. GRCh37 (hg19) VCF-style: chr14-50667793-G-C.
Other names: c.223C>G, p.Gln75Glu (NM_001411020.1); short protein forms Q75E.
Identifiers: ClinVar variation 2012673 (VCV002012673.4), dbSNP rs2503193935, ClinGen allele CA389650405.